The following is an entry in ClinVar:

NM_001142864.4(PIEZO1):c.4776T>C (p.Ser1592=)

Gene: PIEZO1 (piezo type mechanosensitive ion channel component 1 (Er blood group); minus strand). Cytogenetic location: 16q24.3.
Variant type: single nucleotide variant.
Coding change: c.4776T>C on transcript NM_001142864.4 (MANE Select); coding-DNA position 4776, T replaced by C.
Protein change: p.Ser1592=; no amino-acid change (serine 1592 retained).
Molecular consequence: synonymous variant.
Genome position (GRCh38, 1-based): chr16:88,722,397, A>G on the plus strand (T>C on the coding strand, the complement: PIEZO1 is on the minus strand). VCF-style: chr16-88722397-A-G. GRCh37 (hg19) VCF-style: chr16-88788805-A-G.
Other names: p.Ser1592=; c.3318T>C, p.Ser1106= (NM_014745.1); c.4776T>C (NM_001142864.2).
Identifiers: ClinVar variation 2046297 (VCV002046297.30), dbSNP rs539832134, ClinGen allele CA8232032.

ClinVar aggregate classification (germline): Conflicting classifications of pathogenicity. Review status: criteria provided, conflicting classifications (1 of 4 stars). 5 submissions from 5 submitters: Uncertain significance (1); Likely benign (4). Last evaluated 2026-06-01.

Conditions:
Inborn genetic diseases. Identifiers: MedGen C0950123, MeSH D030342.

Allele frequency attached by ClinVar (database versions not stated): 1000 Genomes Project 0.00020; 1000 Genomes Project 30x 0.00047; gnomAD 0.00048; TOPMed 0.00052; ExAC 0.00094.

Submissions (5):

CeGaT Center for Human Genetics Tuebingen
Classification: Likely benign. Last evaluated: 2026-06-01. Review status: criteria provided, single submitter. Criteria: CeGaT Center For Human Genetics Tuebingen Variant Classification Criteria Version 2. Collection method: clinical testing. Allele origin: germline. Affected: yes. Observed: 3 variant alleles.
Comment: PIEZO1: BP4, BP7

Labcorp Genetics (formerly Invitae), Labcorp
Classification: Uncertain significance. Last evaluated: 2025-07-01. Review status: criteria provided, single submitter. Criteria: Invitae Variant Classification Sherloc (09022015). Collection method: clinical testing. Allele origin: germline.
Comment: This sequence change affects codon 1592 of the PIEZO1 mRNA. It is a 'silent' change, meaning that it does not change the encoded amino acid sequence of the PIEZO1 protein. It affects a nucleotide within the consensus splice site. This variant is present in population databases (rs539832134, gnomAD 0.09%). This variant has not been reported in the literature in individuals affected with PIEZO1-related conditions. ClinVar contains an entry for this variant (Variation ID: 2046297). Algorithms developed to predict the effect of sequence changes on RNA splicing suggest that this variant is not likely to affect RNA splicing. In summary, the available evidence is currently insufficient to determine the role of this variant in disease. Therefore, it has been classified as a Variant of Uncertain Significance.

Mayo Clinic Laboratories, Mayo Clinic
Classification: Likely benign. Last evaluated: 2025-06-24. Review status: criteria provided, single submitter. Criteria: ACMG Guidelines, 2015. Collection method: clinical testing. Allele origin: germline. Observed: 2 variant alleles.
Comment: BP4, BP7

Blueprint Genetics
Classification: Likely benign. Last evaluated: 2024-11-27. Review status: criteria provided, single submitter. Criteria: ACMG Guidelines, 2015. Collection method: clinical testing. Allele origin: germline.

Ambry Genetics
Classification: Likely benign for Inborn genetic diseases. Last evaluated: 2023-08-22. Review status: criteria provided, single submitter. Criteria: Ambry Variant Classification Scheme 2023. Collection method: clinical testing. Allele origin: germline.